The following is an entry in ClinVar:

NM_015102.5(NPHP4):c.594G>A (p.Ala198=)

Gene: NPHP4 (nephrocystin 4; minus strand). Cytogenetic location: 1p36.31.
Variant type: single nucleotide variant.
Coding change: c.594G>A on transcript NM_015102.5 (MANE Select); coding-DNA position 594, G replaced by A.
Protein change: p.Ala198=; no amino-acid change (alanine 198 retained).
Molecular consequence: synonymous variant. On other transcripts: 5 prime UTR variant (2), non-coding transcript variant (1).
Genome position (GRCh38, 1-based): chr1:5,961,873, C>T on the plus strand (G>A on the coding strand, the complement: NPHP4 is on the minus strand). VCF-style: chr1-5961873-C-T. GRCh37 (hg19) VCF-style: chr1-6021933-C-T.
Other names: c.-636G>A (NM_001291593.2); c.-773G>A (NM_001291594.2); c.594G>A (NM_015102.4).
Identifiers: ClinVar variation 1126202 (VCV001126202.11), dbSNP rs141538649, ClinGen allele CA17169393.

ClinVar aggregate classification (germline): Likely benign. Review status: criteria provided, multiple submitters, no conflicts (2 of 4 stars). 3 submissions from 3 submitters: Likely benign (2). 1 of the submissions does not count toward it. Last evaluated 2024-06-12.

Conditions:
NPHP4-related disorder. Also called: NPHP4-related condition; NPHP4-related disorders. Identifiers: MedGen CN239384.
Nephronophthisis. Also called: Juvenile Nephronophthisis. Identifiers: Orphanet 655, MedGen C0687120, MONDO:0019005, HP:0000090.

gnomAD v4.1: 20 of 1,613,726 alleles (0.0012%); highest among the groups gnomAD compares: African/African-American, 0.0067%; no homozygotes.

Submissions (3):

Blueprint Genetics
Classification: Likely benign. Last evaluated: 2024-06-12. Review status: criteria provided, single submitter. Criteria: ACMG Guidelines, 2015. Collection method: clinical testing. Allele origin: germline.

Labcorp Genetics (formerly Invitae), Labcorp
Classification: Likely benign for Nephronophthisis. Last evaluated: 2022-02-04. Review status: criteria provided, single submitter. Criteria: Invitae Variant Classification Sherloc (09022015). Collection method: clinical testing. Allele origin: germline.

PreventionGenetics, part of Exact Sciences
Classification: Likely benign for NPHP4-related condition. Last evaluated: 2024-09-05. Review status: no assertion criteria provided. Collection method: clinical testing. Allele origin: germline. Not counted in ClinVar's aggregate classification.
Comment: This variant is classified as likely benign based on ACMG/AMP sequence variant interpretation guidelines (Richards et al. 2015 PMID: 25741868, with internal and published modifications).